The following is an entry in ClinVar:

NM_017570.5(OPLAH):c.2539G>A (p.Val847Met)

Gene: OPLAH (5-oxoprolinase, ATP-hydrolysing; minus strand). Cytogenetic location: 8q24.3.
Variant type: single nucleotide variant.
Coding change: c.2539G>A on transcript NM_017570.5 (MANE Select); coding-DNA position 2539, G replaced by A.
Protein change: p.Val847Met; replaces valine 847 with methionine.
Molecular consequence: missense variant.
Genome position (GRCh38, 1-based): chr8:144,054,708, C>T on the plus strand (G>A on the coding strand, the complement: OPLAH is on the minus strand). VCF-style: chr8-144054708-C-T. GRCh37 (hg19) VCF-style: chr8-145109611-C-T.
Other names: short protein forms V847M.
Identifiers: ClinVar variation 2054056 (VCV002054056.4), dbSNP rs782065410, ClinGen allele CA4931423.
Genomic context (GRCh38, chr8:144,054,708, plus strand): 5'-TGGAGCCTGGTGTGATGCCCCCGATGTCTGCGTGGTGCCCTCGGCTGGCCACATAGAACA[C>T]AGGCCGCGTCTGACCCGGCCAAAACACCTAGCGGGTGGAGAGCCACGGTCAGCTGCATCG-3'
Protein context (NP_060040.1, residues 837-857): PVFWPGQTRP[Val847Met]FYVASRGHHA

ClinVar aggregate classification (germline): Uncertain significance (1 of 4 stars; one submission).

Conditions:
5-Oxoprolinase deficiency (OPLAHD). Also called: 5-OXOPROLINURIA DUE TO 5-OXOPROLINASE DEFICIENCY. Identifiers: Orphanet 33572, MedGen C0268525, MONDO:0009825, OMIM 260005, HP:0040142.

Allele frequency attached by ClinVar (database versions not stated): gnomAD 0.00004; ExAC 0.00001; TOPMed 0.00003.
gnomAD v4.1: 41 of 1,612,446 alleles (0.0025%); highest among the groups gnomAD compares: Middle Eastern, 0.083%; no homozygotes.

Submission:

Labcorp Genetics (formerly Invitae), Labcorp
Classification: Uncertain significance for 5-Oxoprolinase deficiency. Last evaluated: 2022-12-23. Review status: criteria provided, single submitter. Criteria: Invitae Variant Classification Sherloc (09022015). Collection method: clinical testing. Allele origin: germline.
Comment: This sequence change replaces valine, which is neutral and non-polar, with methionine, which is neutral and non-polar, at codon 847 of the OPLAH protein (p.Val847Met). This variant is present in population databases (rs782065410, gnomAD 0.004%). This variant has not been reported in the literature in individuals affected with OPLAH-related conditions. Algorithms developed to predict the effect of missense changes on protein structure and function are either unavailable or do not agree on the potential impact of this missense change (SIFT: "Not Available"; PolyPhen-2: "Probably Damaging"; Align-GVGD: "Not Available"). In summary, the available evidence is currently insufficient to determine the role of this variant in disease. Therefore, it has been classified as a Variant of Uncertain Significance.